The following is an entry in ClinVar:

NM_000138.5(FBN1):c.1983C>G (p.Cys661Trp)

Gene: FBN1 (fibrillin 1; minus strand). Cytogenetic location: 15q21.1.
Variant type: single nucleotide variant.
Coding change: c.1983C>G on transcript NM_000138.5 (MANE Select); coding-DNA position 1983, C replaced by G.
Protein change: p.Cys661Trp; replaces cysteine 661 with tryptophan.
Molecular consequence: missense variant.
Genome position (GRCh38, 1-based): chr15:48,503,917, G>C on the plus strand (C>G on the coding strand, the complement: FBN1 is on the minus strand). VCF-style: chr15-48503917-G-C. GRCh37 (hg19) VCF-style: chr15-48796114-G-C.
Other names: short protein forms C661W.
Identifiers: ClinVar variation 457168 (VCV000457168.8), dbSNP rs765018527, ClinGen allele CA392338780.
Genomic context (GRCh38, chr15:48,503,917, plus strand): 5'-AGATTTAGTGACAGCACCAAACAAAGGTTTGATACACTGGCCTCTCTTGTATCCACCATA[G>C]CATGTGCTCCGCATGTGTGTGTCTAAACAGGAAGAAGCATCTGTCATCACACTGTCACTT-3'
Protein context (NP_000129.3, residues 651-671): VCVDTHMRST[Cys661Trp]YGGYKRGQCI

ClinVar aggregate classification (germline): Pathogenic (1 of 4 stars; one submission).

Conditions:
Marfan syndrome (MFS). Also called: MARFAN SYNDROME, TYPE I; FBN1-Related Marfan Syndrome; Marfan syndrome type 1; Marfan's syndrome; Marfan syndrome, classic. Identifiers: Orphanet 284963, Orphanet 558, MedGen C0024796, MONDO:0007947, OMIM 154700.
Familial thoracic aortic aneurysm and aortic dissection (TAAD). Also called: Thoracic aortic aneurysms and dissections. Identifiers: Orphanet 91387, MedGen C4707243, MONDO:0019625.

Submission:

Labcorp Genetics (formerly Invitae), Labcorp
Classification: Pathogenic for Marfan syndrome; Familial thoracic aortic aneurysm and aortic dissection. Last evaluated: 2017-06-26. Review status: criteria provided, single submitter. Criteria: Invitae Variant Classification Sherloc (09022015). Collection method: clinical testing. Allele origin: germline.
Comment: This variant affects a cysteine residue located within a hybrid motif domain of the FBN1 protein. Cysteine residues in these domains are believed to be involved in intramolecular disulfide bridges and have been shown to be important for FBN1 protein structure (PMID: 16905551, 19349279). In addition, missense substitutions within the hybrid motif domains affecting cysteine residues are significantly overrepresented among patients with Marfan syndrome (PMID: 16571647, 17701892). For these reasons, this variant has been classified as Pathogenic. Three other different missense substitutions at this codon (p.Cys661Tyr, p.Cys661Gly, p.Cys661Arg) have been reported in individuals affected with Marfan syndrome or fibrillinopathies (PMID: 12203987, 19293843, 9016526). This suggests that the cysteine residue is critical for FBN1 protein function and that other missense substitutions at this position may also be pathogenic. Algorithms developed to predict the effect of sequence changes on RNA splicing suggest that this variant may create or strengthen a splice site, but this prediction has not been confirmed by published transcriptional studies. Algorithms developed to predict the effect of missense changes on protein structure and function do not agree on the potential impact of this missense change (SIFT: "Deleterious"; PolyPhen-2: "Probably Damaging"; Align-GVGD: "Class C15"). This variant has been reported in one individual affected with Marfan syndrome in the Universal Mutation Database (PMID: 10612827). This sequence change replaces cysteine with tryptophan at codon 661 of the FBN1 protein (p.Cys661Trp). The cysteine residue is highly conserved and there is a large physicochemical difference between cysteine and tryptophan.

Literature cited by the submitters: PubMed 16905551; PubMed 19349279; PubMed 16571647; PubMed 17701892; PubMed 12203987; PubMed 19293843; PubMed 9016526; PubMed 10612827.